The following is an entry in ClinVar:

NM_001146156.2(GSK3B):c.-1001T>C

Gene: GSK3B (glycogen synthase kinase 3 beta; minus strand). Cytogenetic location: 3q13.33.
Variant type: single nucleotide variant.
Coding change: c.-1001T>C on transcript NM_001146156.2 (MANE Select); 1001 bases upstream of the start codon, T replaced by C.
Molecular consequence: 5 prime UTR variant.
Genome position (GRCh38, 1-based): chr3:120,094,435, A>G on the plus strand (T>C on the coding strand, the complement: GSK3B is on the minus strand). VCF-style: chr3-120094435-A-G. GRCh37 (hg19) VCF-style: chr3-119813282-A-G.
Other names: c.-1001T>C (NM_001354596.2, NM_002093.4).
Identifiers: ClinVar variation 1258187 (VCV001258187.3), dbSNP rs334558, ClinGen allele CA15232165.

ClinVar aggregate classification (germline): Benign. Review status: criteria provided, multiple submitters, no conflicts (2 of 4 stars). 2 submissions from 2 submitters: Benign (2). Last evaluated 2019-06-14.

Allele frequency attached by ClinVar (database versions not stated): gnomAD exomes 0.43747; gnomAD 0.51324 and 0.51400; TOPMed 0.52206; 1000 Genomes Project 0.59864; 1000 Genomes Project 30x 0.60072.
gnomAD v4.1: 140,785 of 296,038 alleles (48%); highest among the groups gnomAD compares: African/African-American, 86%; 38,380 homozygotes.

Submissions (2):

GeneDx
Classification: Benign. Last evaluated: 2019-06-14. Review status: criteria provided, single submitter. Criteria: GeneDx Variant Classification Process June 2021. Collection method: clinical testing. Allele origin: germline. Affected: yes.
Comment: This variant is associated with the following publications: (PMID: 14729229, 11326302, 21527318)

Breakthrough Genomics
Classification: Benign. Review status: criteria provided, single submitter. Criteria: ACMG Guidelines, 2015. Collection method: not provided. Allele origin: germline. Inheritance: Unknown mechanism. Affected: yes.